The following is an entry in ClinVar:

ClinVar aggregate classification (germline): Likely benign (1 of 4 stars; one submission).

Submission:

CeGaT Center for Human Genetics Tuebingen
Classification: Likely benign. Last evaluated: 2023-01-01. Review status: criteria provided, single submitter. Criteria: CeGaT Center For Human Genetics Tuebingen Variant Classification Criteria Version 2. Collection method: clinical testing. Allele origin: germline. Affected: yes. Observed: 1 variant allele.
Comment: UGT2A1: BP4, BS2; UGT2A2: BS2

NM_001105677.2(UGT2A2):c.742+3061_742+3070dup

Genes: UGT2A1 (UDP glucuronosyltransferase family 2 member A1 complex locus; minus strand), UGT2A2 (UDP glucuronosyltransferase family 2 member A2; minus strand). Cytogenetic location: 4q13.3.
Variant type: Duplication.
Coding change: c.742+3061_742+3070dup on transcript NM_001105677.2 (MANE Select); bases 3061 to 3070 of the intron after coding-DNA position 742, 10 bases duplicated (TTTTTTTTTT; older notation c.742+3061_742+3070dupTTTTTTTTTT).
Molecular consequence: intron variant.
Genome position (GRCh38, 1-based): chr4:69,635,829-69,635,838, AAAAAAAAAA duplicated on the plus strand (TTTTTTTTTT on the coding strand, the reverse complement: UGT2A2 is on the minus strand); duplicating any 10 consecutive bases within chr4:69,635,829-69,635,850 gives the same sequence; the c. name uses the placement nearest the transcript's 3' end. VCF-style (leftmost placement, unchanged base first): chr4-69635828-C-CAAAAAAAAAA. GRCh37 (hg19) VCF-style: chr4-70501546-C-CAAAAAAAAAA.
Other names: c.1345+3061_1345+3070dup (NM_001252274.3, NM_001389565.1); c.742+3061_742+3070dup (NM_001301233.1); c.715+11092_715+11101dup (NM_001301239.2, NM_006798.5); c.716-16_716-7dup (NM_001252275.3).
Identifiers: ClinVar variation 2654790 (VCV002654790.24), dbSNP rs1191267919, ClinGen allele CA797909970.